The following is an entry in ClinVar:

NM_003660.4(PPFIA3):c.34G>C (p.Asp12His)

Genes: PPFIA3 (PTPRF interacting protein alpha 3; plus strand), LOC130064903 (ATAC-STARR-seq lymphoblastoid silent region 10914; plus strand). Cytogenetic location: 19q13.33.
Variant type: single nucleotide variant.
Coding change: c.34G>C on transcript NM_003660.4 (MANE Select); coding-DNA position 34, G replaced by C.
Protein change: p.Asp12His; replaces aspartic acid 12 with histidine.
Molecular consequence: missense variant. On other transcripts: non-coding transcript variant (1).
Genome position (GRCh38, 1-based): chr19:49,127,907, G>C. VCF-style: chr19-49127907-G-C. GRCh37 (hg19) VCF-style: chr19-49631164-G-C.
Other names: short protein forms D12H.
Identifiers: ClinVar variation 3764386 (VCV003764386.1).

ClinVar aggregate classification (germline): Uncertain significance (1 of 4 stars; one submission).

Submission:

GeneDx
Classification: Uncertain significance. Last evaluated: 2024-08-18. Review status: criteria provided, single submitter. Criteria: GeneDx Variant Classification Process June 2021. Collection method: clinical testing. Allele origin: germline. Affected: yes.
Comment: Not observed at significant frequency in large population cohorts (gnomAD); In silico analysis indicates that this missense variant does not alter protein structure/function; Has not been previously published as pathogenic or benign to our knowledge